The following is an entry in ClinVar:

NM_001134363.3(RBM20):c.1002dup (p.Ala335fs)

Gene: RBM20 (RNA binding motif protein 20; plus strand). Cytogenetic location: 10q25.2.
Variant type: Duplication.
Coding change: c.1002dup on transcript NM_001134363.3 (MANE Select); coding-DNA position 1002, one base duplicated (A; older notation c.1002dupA).
Protein change: p.Ala335fs; shifts the reading frame from alanine 335.
Molecular consequence: frameshift variant.
Genome position (GRCh38, 1-based): chr10:110,781,611, A duplicated. VCF-style (leftmost placement, unchanged base first): chr10-110781610-C-CA. GRCh37 (hg19) VCF-style: chr10-112541368-C-CA.
Other names: c.1002dupA (NM_001134363.1); short protein forms A335fs.
Identifiers: ClinVar variation 3254894 (VCV003254894.3), dbSNP rs2493412820.

ClinVar aggregate classification (germline): Likely pathogenic (1 of 4 stars; one submission).

Conditions:
Dilated cardiomyopathy 1DD (CMD1DD). Identifiers: Orphanet 154, MedGen C2750995, MONDO:0013168, OMIM 613172.

Submission:

Victorian Clinical Genetics Services, Murdoch Childrens Research Institute
Classification: Likely pathogenic for Dilated cardiomyopathy 1DD. Last evaluated: 2025-07-21. Review status: criteria provided, single submitter. Criteria: ACMG Guidelines, 2015. Collection method: clinical testing. Allele origin: germline. Affected: yes.
Comment: This variant is classified as Likely pathogenic. Evidence in support of pathogenic classification: Variant is predicted to cause nonsense-mediated decay (NMD) and loss of protein (premature termination codon is located at least 54 nucleotides upstream of the final exon-exon junction); Variant is absent from gnomAD (v2, v3 and v4); Other premature termination variants comparable to the one identified in this case have strong previous evidence for pathogenicity. NMD-predicted variants in this gene have been reported as VUS; however, many have been reported as likely pathogenic/pathogenic and/or in individuals with cardiac conditions such as dilated cardiomyopathy and arrhythmias (ClinVar, VCGS, PMIDs: 32789749, 29895960, 35284542, 34201072). One of the reported individuals is homozygous for p.(Gly1031*), with uniparental inheritance from an unaffected parent (PMID: 29895960). Another individual with severe DCM has a frameshift variant, p.(Glu792Glyfs*9) inherited from their mother who has a clinical history of arrhythmias, and a paternally inherited nonsense variant in the TTN gene (PMID: 34201072). Additional information: This variant is heterozygous; This gene is associated with autosomal dominant disease; This variant has no previous evidence of pathogenicity; No published segregation evidence has been identified for this variant; No published functional evidence has been identified for this variant; Loss of function is a known mechanism of disease in this gene and is associated with dilated cardiomyopathy 1DD (MIM#613172) (PMIDs: 27496873, 34575212). While some publications suggest a dominant negative mechanism for variants in the hotspot region affecting residues between 630 and 640 (PMIDs: 32187365, 29895960), haploinsufficiency has been demonstrated by a recent paper (PMID: 32840935). Gain of function has also been suggested (PMID: 34575212); Inheritance information for this variant is not currently available in this individual.

Literature cited by the submitters: PubMed 27496873; PubMed 32187365; PubMed 29895960; PubMed 35284542; PubMed 34201072; PubMed 32789749; PubMed 32840935; PubMed 34575212.